The following is an entry in ClinVar:

ClinVar aggregate classification (germline): Uncertain significance. Review status: criteria provided, multiple submitters, no conflicts (2 of 4 stars). 2 submissions from 2 submitters: Uncertain significance (2). Last evaluated 2025-08-20.

Conditions:
SPTAN1-related disorder. Also called: SPTAN1-related disorders; SPTAN1-related condition.
Early-infantile DEE. Also called: Early infantile epileptic encephalopathy; Ohtahara syndrome; Early infantile epileptic encephalopathy with suppression bursts. Identifiers: Orphanet 1934, MedGen C0393706, MONDO:0800491.

Allele frequency attached by ClinVar (database versions not stated): gnomAD exomes below 0.00001; TOPMed below 0.00001.

Submissions (2):

Labcorp Genetics (formerly Invitae), Labcorp
Classification: Uncertain significance for Early-infantile DEE. Last evaluated: 2025-08-20. Review status: criteria provided, single submitter. Criteria: Invitae Variant Classification Sherloc (09022015). Collection method: clinical testing. Allele origin: germline.
Comment: This sequence change replaces threonine, which is neutral and polar, with isoleucine, which is neutral and non-polar, at codon 76 of the SPTAN1 protein (p.Thr76Ile). This variant is not present in population databases (gnomAD no frequency). This variant has not been reported in the literature in individuals affected with SPTAN1-related conditions. ClinVar contains an entry for this variant (Variation ID: 1450075). Invitae Evidence Modeling of protein sequence and biophysical properties (such as structural, functional, and spatial information, amino acid conservation, physicochemical variation, residue mobility, and thermodynamic stability) has been performed for this missense variant. However, the output from this modeling did not meet the statistical confidence thresholds required to predict the impact of this variant on SPTAN1 protein function. In summary, the available evidence is currently insufficient to determine the role of this variant in disease. Therefore, it has been classified as a Variant of Uncertain Significance.

PreventionGenetics, part of Exact Sciences
Classification: Uncertain significance for SPTAN1-related condition. Last evaluated: 2025-07-12. Review status: criteria provided, single submitter. Criteria: ACMG Guidelines, 2015. Collection method: clinical testing. Allele origin: germline.
Comment: The SPTAN1 c.227C>T variant is predicted to result in the amino acid substitution p.Thr76Ile. To our knowledge, this variant has not been reported in the literature or in a large population database (gnomAD), indicating this variant is rare. At this time, the clinical significance of this variant is uncertain due to the absence of conclusive functional and genetic evidence.

NM_001130438.3(SPTAN1):c.227C>T (p.Thr76Ile)

Gene: SPTAN1 (spectrin alpha, non-erythrocytic 1; plus strand). Cytogenetic location: 9q34.11.
Variant type: single nucleotide variant.
Coding change: c.227C>T on transcript NM_001130438.3 (MANE Select); coding-DNA position 227, C replaced by T.
Protein change: p.Thr76Ile; replaces threonine 76 with isoleucine.
Molecular consequence: missense variant.
Genome position (GRCh38, 1-based): chr9:128,566,967, C>T. VCF-style: chr9-128566967-C-T. GRCh37 (hg19) VCF-style: chr9-131329246-C-T.
Other names: c.227C>T, p.Thr76Ile (NM_001195532.2, NM_001363759.2, NM_001363765.2 and 5 more transcripts); c.263C>T, p.Thr88Ile (NM_001375312.2, NM_001375318.1); c.227C>T (NM_001130438.2); short protein forms T88I, T76I.
Identifiers: ClinVar variation 1450075 (VCV001450075.8), dbSNP rs1850104282, ClinGen allele CA375050049.